The following is an entry in ClinVar:

ClinVar aggregate classification (germline): Pathogenic (1 of 4 stars; one submission).

Conditions:
Nephronophthisis 1 (NPHP1). Also called: Nephronophthisis familial juvenile. Identifiers: Orphanet 655, Orphanet 93592, MedGen C1855681, MONDO:0009728, OMIM 256100.

Submission:

Kasturba Medical College, Manipal, Kasturba Medical College, Manipal, Manipal Academy of Higher Education, Manipal, India
Classification: Pathogenic for Nephronophthisis 1. Review status: criteria provided, single submitter. Criteria: ACMG Guidelines, 2015. Collection method: clinical testing. Allele origin: biparental. Inheritance: Autosomal recessive inheritance. Affected: yes. Observed: 1 homozygote.
Comment: Overlapping regions with this CNV encompassing NPHP1 have also been reported in the ClinVar (ClinVar ID: 237627) database. In a study by Stokman et al. 2018, a homozygous deletion of the NPHP1 gene was reported in an affected individual with a similar phenotype. Bi-allelic variants in NPHP1 are known to cause Nephronophthisis 1, juvenile (MIM# 256100).

Single allele

Genes: MALL (mal, T cell differentiation protein like; minus strand), MTLN (mitoregulin; minus strand), NPHP1 (nephrocystin 1; minus strand), LOC126806306 (P300/CBP strongly-dependent group 1 enhancer GRCh37_chr2:110906815-110908014; plus strand), LOC129934555 (ATAC-STARR-seq lymphoblastoid active region 16369; plus strand) and 1 more. Cytogenetic location: 2q13.
Variant type: Deletion.
Identifiers: ClinVar variation 3340099 (VCV003340099.2).